The following is an entry in ClinVar:

ClinVar aggregate classification (germline): Uncertain significance. Review status: criteria provided, multiple submitters, no conflicts (2 of 4 stars). 2 submissions from 2 submitters: Uncertain significance (2). Last evaluated 2025-10-01.

Allele frequency attached by ClinVar (database versions not stated): gnomAD 0.00001; TOPMed 0.00002; gnomAD exomes 0.00004; ExAC 0.00005.
gnomAD v4.1: 63 of 1,612,538 alleles (0.0039%); highest among the groups gnomAD compares: Middle Eastern, 0.016%; no homozygotes.

Submissions (2):

Labcorp Genetics (formerly Invitae), Labcorp
Classification: Uncertain significance. Last evaluated: 2025-10-01. Review status: criteria provided, single submitter. Criteria: Invitae Variant Classification Sherloc (09022015). Collection method: clinical testing. Allele origin: germline.
Comment: This sequence change replaces leucine with phenylalanine at codon 385 of the ADSSL1 protein (p.Leu385Phe). There is a small physicochemical difference between leucine and phenylalanine. This variant is present in population databases (rs745374779, gnomAD 0.006%). This variant has not been reported in the literature in individuals affected with ADSSL1-related conditions. ClinVar contains an entry for this variant (Variation ID: 1311434). An algorithm developed to predict the effect of missense changes on protein structure and function (PolyPhen-2) suggests that this variant is likely to be disruptive. In summary, the available evidence is currently insufficient to determine the role of this variant in disease. Therefore, it has been classified as a Variant of Uncertain Significance.

GeneDx
Classification: Uncertain significance. Last evaluated: 2020-01-18. Review status: criteria provided, single submitter. Criteria: GeneDx Variant Classification Process June 2021. Collection method: clinical testing. Allele origin: germline. Affected: yes.
Comment: In silico analysis, which includes protein predictors and evolutionary conservation, supports a deleterious effect; In-silico analysis is inconclusive as to whether the variant alters gene splicing. In the absence of RNA/functional studies, the actual effect of this sequence change is unknown.; Has not been previously published as pathogenic or benign to our knowledge

NM_152328.5(ADSS1):c.1024C>T (p.Leu342Phe)

Gene: ADSS1 (adenylosuccinate synthase 1; plus strand). Cytogenetic location: 14q32.33.
Variant type: single nucleotide variant.
Coding change: c.1024C>T on transcript NM_152328.5 (MANE Select); coding-DNA position 1024, C replaced by T.
Protein change: p.Leu342Phe; replaces leucine 342 with phenylalanine.
Molecular consequence: missense variant.
Genome position (GRCh38, 1-based): chr14:104,743,142, C>T. VCF-style: chr14-104743142-C-T. GRCh37 (hg19) VCF-style: chr14-105209479-C-T.
Other names: c.409C>T, p.Leu137Phe (NM_001320424.1); c.1153C>T, p.Leu385Phe (NM_199165.2); short protein forms L137F, L342F, L385F.
Identifiers: ClinVar variation 1311434 (VCV001311434.7), dbSNP rs745374779, ClinGen allele CA7373979.